The following is an entry in ClinVar:

NM_000465.4(BARD1):c.599C>T (p.Ala200Val)

Gene: BARD1 (BRCA1 associated RING domain 1; minus strand). Cytogenetic location: 2q35.
Variant type: single nucleotide variant.
Coding change: c.599C>T on transcript NM_000465.4 (MANE Select); coding-DNA position 599, C replaced by T.
Protein change: p.Ala200Val; replaces alanine 200 with valine.
Molecular consequence: missense variant. On other transcripts: non-coding transcript variant (2), intron variant (3).
Genome position (GRCh38, 1-based): chr2:214,781,275, G>A on the plus strand (C>T on the coding strand, the complement: BARD1 is on the minus strand). VCF-style: chr2-214781275-G-A. GRCh37 (hg19) VCF-style: chr2-215645999-G-A.
Other names: c.599C>T (NM_000465.2); c.542C>T, p.Ala181Val (NM_001282543.2); c.158+28137C>T (NM_001282548.2); c.215+15786C>T (NM_001282545.2); c.364+11022C>T (NM_001282549.2); short protein forms A200V, A181V.
Identifiers: ClinVar variation 844694 (VCV000844694.14), dbSNP rs1254403542, ClinGen allele CA350456759.
Genomic context (GRCh38, chr2:214,781,275, plus strand): 5'-AAATTCCATTTTTGGTTGATTTCAGCTAAAGTTTTCTTTTTTTGCTTTTTTCCAGATCTT[G>A]CAGAAGCCTTTTTAGCCCTCTCAGAAACATCTGCAGGAGGACTTGGGGAAACAAATTCAT-3'
Protein context (NP_000456.2, residues 190-210): DVSERAKKAS[Ala200Val]RSGKKQKKKT

ClinVar aggregate classification (germline): Uncertain significance. Review status: criteria provided, multiple submitters, no conflicts (2 of 4 stars). 3 submissions from 3 submitters: Uncertain significance (3). Last evaluated 2025-11-17.

Conditions:
Hereditary cancer-predisposing syndrome. Also called: Neoplastic Syndromes, Hereditary; Hereditary neoplastic syndrome; Tumor predisposition; Hereditary Cancer Syndrome. Identifiers: Orphanet 140162, MedGen C0027672, MeSH D009386, MONDO:0015356.
Familial cancer of breast. Also called: Hereditary breast cancer; hereditary breast carcinoma; BREAST CANCER, FAMILIAL. Identifiers: Orphanet 227535, MedGen C0346153, MONDO:0016419, OMIM 114480. Disease mechanism: loss of function.

Allele frequency attached by ClinVar (database versions not stated): gnomAD 0.00001; gnomAD exomes below 0.00001; TOPMed 0.00002.
gnomAD v4.1: 3 of 1,599,924 alleles (0.00019%); highest among the groups gnomAD compares: Non-Finnish European, 0.00025%; no homozygotes.

Submissions (3):

Dasa
Classification: Uncertain significance. Last evaluated: 2025-11-17. Review status: criteria provided, single submitter. Criteria: DASA Assertion Criteria. Collection method: clinical testing. Allele origin: germline.
Comment: NM_000465.4(BARD1):c.599C>T (p.Ala200Val) is a missense variant that results in the substitution of alanine with valine. This variant is rare in population databases. Computational prediction algorithms are consistent with a benign effect. The currently available literature and clinical evidence are not sufficient to establish a definitive association between this variant and the reported condition. Therefore, this variant is classified as a variant of uncertain significance.

Labcorp Genetics (formerly Invitae), Labcorp
Classification: Uncertain significance for Familial cancer of breast. Last evaluated: 2024-04-09. Review status: criteria provided, single submitter. Criteria: Invitae Variant Classification Sherloc (09022015). Collection method: clinical testing. Allele origin: germline.
Comment: This sequence change replaces alanine, which is neutral and non-polar, with valine, which is neutral and non-polar, at codon 200 of the BARD1 protein (p.Ala200Val). This variant is present in population databases (no rsID available, gnomAD 0.0009%). This variant has not been reported in the literature in individuals affected with BARD1-related conditions. ClinVar contains an entry for this variant (Variation ID: 844694). An algorithm developed to predict the effect of missense changes on protein structure and function (PolyPhen-2) suggests that this variant is likely to be tolerated. In summary, the available evidence is currently insufficient to determine the role of this variant in disease. Therefore, it has been classified as a Variant of Uncertain Significance.

Ambry Genetics
Classification: Uncertain significance for Hereditary cancer-predisposing syndrome. Last evaluated: 2022-11-04. Review status: criteria provided, single submitter. Criteria: Ambry Variant Classification Scheme 2023. Collection method: clinical testing. Allele origin: germline.
Comment: The p.A200V variant (also known as c.599C>T), located in coding exon 4 of the BARD1 gene, results from a C to T substitution at nucleotide position 599. The alanine at codon 200 is replaced by valine, an amino acid with similar properties. This amino acid position is conserved. In addition, this alteration is predicted to be tolerated by in silico analysis. Since supporting evidence is limited at this time, the clinical significance of this alteration remains unclear.